The following is an entry in ClinVar:

ClinVar aggregate classification (germline): Pathogenic (1 of 4 stars; one submission).

Conditions:
Hereditary cancer-predisposing syndrome. Also called: Neoplastic Syndromes, Hereditary; Tumor predisposition; Hereditary neoplastic syndrome; Hereditary Cancer Syndrome. Identifiers: Orphanet 140162, MedGen C0027672, MeSH D009386, MONDO:0015356.

Submission:

Ambry Genetics
Classification: Pathogenic for Hereditary cancer-predisposing syndrome. Last evaluated: 2019-05-02. Review status: criteria provided, single submitter. Criteria: Ambry Variant Classification Scheme 2023. Collection method: clinical testing. Allele origin: germline.
Comment: The c.3794dupG pathogenic mutation, located in coding exon 8 of the MSH6 gene, results from a duplication of G at nucleotide position 3794, causing a translational frameshift with a predicted alternate stop codon (p.H1266Tfs*9). This alteration is expected to result in loss of function by premature protein truncation or nonsense-mediated mRNA decay. As such, this alteration is interpreted as a disease-causing mutation.

NM_000179.3(MSH6):c.3794dup (p.His1266fs)

Gene: MSH6 (mutS homolog 6; plus strand). Cytogenetic location: 2p16.3.
Variant type: Duplication.
Coding change: c.3794dup on transcript NM_000179.3 (MANE Select); coding-DNA position 3794, one base duplicated (G; older notation c.3794dupG).
Protein change: p.His1266fs; shifts the reading frame from histidine 1266.
Molecular consequence: frameshift variant.
Genome position (GRCh38, 1-based): chr2:47,806,351, G duplicated; the last of 2 consecutive G bases (chr2:47,806,350-47,806,351); duplicating either gives the same sequence. VCF-style (leftmost placement, unchanged base first): chr2-47806349-A-AG. GRCh37 (hg19) VCF-style: chr2-48033488-A-AG.
Other names: c.3404dup, p.His1136fs (NM_001281492.2); c.2888dup, p.His964fs (NM_001281493.2, NM_001281494.2); short protein forms H1136fs, H1266fs, H964fs.
Identifiers: ClinVar variation 824219 (VCV000824219.4), dbSNP rs1572745322, ClinGen allele CA915943969.